The following is an entry in ClinVar:

ClinVar aggregate classification (germline): Benign. Review status: criteria provided, multiple submitters, no conflicts (2 of 4 stars). 7 submissions from 7 submitters: Benign (7). Last evaluated 2026-02-03.

Conditions:
Familial pulmonary capillary hemangiomatosis (PVOD2). Also called: Pulmonary venoocclusive disease 2, autosomal recessive; Pulmonary venoocclusive disease 2. Identifiers: Orphanet 199241, MedGen C0340848, MONDO:0009329, OMIM 234810.

Allele frequency attached by ClinVar (database versions not stated): 1000 Genomes Project 0.84445; 1000 Genomes Project 30x 0.84541; gnomAD exomes 0.88049 and 0.93902; ExAC 0.88831; TOPMed 0.90178; gnomAD 0.91293 and 0.91697; ESP Exome Variant Server 0.94267.
gnomAD v4.1: 1,507,474 of 1,609,762 alleles (94%); highest among the groups gnomAD compares: Middle Eastern, 98%; 709,825 homozygotes.

Submissions (7):

Labcorp Genetics (formerly Invitae), Labcorp
Classification: Benign. Last evaluated: 2026-02-03. Review status: criteria provided, single submitter. Criteria: Invitae Variant Classification Sherloc (09022015). Collection method: clinical testing. Allele origin: germline.

Blueprint Genetics
Classification: Benign. Last evaluated: 2024-11-27. Review status: criteria provided, single submitter. Criteria: ACMG Guidelines, 2015. Collection method: clinical testing. Allele origin: germline.

Genome-Nilou Lab
Classification: Benign for Familial pulmonary capillary hemangiomatosis. Last evaluated: 2021-07-30. Review status: criteria provided, single submitter. Criteria: ACMG Guidelines, 2015. Collection method: clinical testing. Allele origin: germline. Affected: no.

ARUP Laboratories, Molecular Genetics and Genomics, ARUP Laboratories
Classification: Benign for Familial pulmonary capillary hemangiomatosis. Last evaluated: 2021-02-05. Review status: criteria provided, single submitter. Criteria: ARUP Molecular Germline Variant Investigation Process 2021. Collection method: clinical testing. Allele origin: germline.

GeneDx
Classification: Benign. Last evaluated: 2016-10-05. Review status: criteria provided, single submitter. Criteria: GeneDx Variant Classification (06012015). Collection method: clinical testing. Allele origin: germline. Affected: yes.
Comment: This variant is considered likely benign or benign based on one or more of the following criteria: it is a conservative change, it occurs at a poorly conserved position in the protein, it is predicted to be benign by multiple in silico algorithms, and/or has population frequency not consistent with disease.

Laboratory for Molecular Medicine, Mass General Brigham Personalized Medicine
Classification: Benign. Last evaluated: 2016-03-28. Review status: criteria provided, single submitter. Criteria: LMM Criteria. Collection method: clinical testing. Allele origin: germline.
Comment: Variant identified in a genome or exome case(s) and assessed due to predicted null impact of the variant or pathogenic assertions in the literature or databases. Disclaimer: This variant has not undergone full assessment. The following are preliminary notes: Frequency

Breakthrough Genomics
Classification: Benign. Review status: criteria provided, single submitter. Criteria: ACMG Guidelines, 2015. Collection method: not provided. Allele origin: germline. Inheritance: Autosomal recessive inheritance. Affected: yes.

NM_001013703.4(EIF2AK4):c.1667A>G (p.Glu556Gly)

Gene: EIF2AK4 (eukaryotic translation initiation factor 2 alpha kinase 4; plus strand). Cytogenetic location: 15q15.1.
Variant type: single nucleotide variant.
Coding change: c.1667A>G on transcript NM_001013703.4 (MANE Select); coding-DNA position 1667, A replaced by G.
Protein change: p.Glu556Gly; replaces glutamic acid 556 with glycine.
Molecular consequence: missense variant.
Genome position (GRCh38, 1-based): chr15:39,973,598, A>G. VCF-style: chr15-39973598-A-G. GRCh37 (hg19) VCF-style: chr15-40265799-A-G.
Other names: short protein forms E556G.
Identifiers: ClinVar variation 381179 (VCV000381179.26), dbSNP rs2307105, ClinGen allele CA7473839.